The following is an entry in ClinVar:

ClinVar aggregate classification (germline): Uncertain significance (1 of 4 stars; one submission).

Conditions:
Cataract 31 multiple types (CTRCT31). Also called: CATARACT 31, POSTERIOR POLAR. Identifiers: Orphanet 91492, MedGen C1854311, MONDO:0011547, OMIM 605387.

Allele frequency attached by ClinVar (database versions not stated): gnomAD exomes 0.00001 and 0.00003; TOPMed 0.00001; ExAC 0.00005.
gnomAD v4.1: 16 of 1,614,178 alleles (0.00099%); highest among the groups gnomAD compares: Non-Finnish European, 0.0014%; no homozygotes.

Submission:

Labcorp Genetics (formerly Invitae), Labcorp
Classification: Uncertain significance for Cataract, posterior polar, 3. Last evaluated: 2019-05-02. Review status: criteria provided, single submitter. Criteria: Invitae Variant Classification Sherloc (09022015). Collection method: clinical testing. Allele origin: germline.
Comment: This sequence change replaces serine with alanine at codon 196 of the CHMP4B protein (p.Ser196Ala). The serine residue is highly conserved and there is a moderate physicochemical difference between serine and alanine. This variant is present in population databases (rs765835212, ExAC 0.009%). This variant has not been reported in the literature in individuals with CHMP4B-related conditions. Algorithms developed to predict the effect of missense changes on protein structure and function (SIFT, PolyPhen-2, Align-GVGD) all suggest that this variant is likely to be tolerated, but these predictions have not been confirmed by published functional studies and their clinical significance is uncertain. In summary, the available evidence is currently insufficient to determine the role of this variant in disease. Therefore, it has been classified as a Variant of Uncertain Significance.

NM_176812.5(CHMP4B):c.586T>G (p.Ser196Ala)

Gene: CHMP4B (charged multivesicular body protein 4B; plus strand). Cytogenetic location: 20q11.22.
Variant type: single nucleotide variant.
Coding change: c.586T>G on transcript NM_176812.5 (MANE Select); coding-DNA position 586, T replaced by G.
Protein change: p.Ser196Ala; replaces serine 196 with alanine.
Molecular consequence: missense variant.
Genome position (GRCh38, 1-based): chr20:33,852,179, T>G. VCF-style: chr20-33852179-T-G. GRCh37 (hg19) VCF-style: chr20-32439985-T-G.
Other names: short protein forms S196A.
Identifiers: ClinVar variation 836756 (VCV000836756.1), dbSNP rs765835212, ClinGen allele CA9819990.